The following is an entry in ClinVar:

ClinVar aggregate classification (germline): Uncertain significance (1 of 4 stars; one submission).

Conditions:
Cardiovascular phenotype. Identifiers: MedGen CN230736.

Allele frequency attached by ClinVar (database versions not stated): TOPMed below 0.00001; gnomAD 0.00001.
gnomAD v4.1: 4 of 1,613,746 alleles (0.00025%); highest among the groups gnomAD compares: East Asian, 0.0022%; no homozygotes.

Submission:

Ambry Genetics
Classification: Uncertain significance for Cardiovascular phenotype. Last evaluated: 2022-07-06. Review status: criteria provided, single submitter. Criteria: Ambry Variant Classification Scheme 2023. Collection method: clinical testing. Allele origin: germline.
Comment: The p.E1716K variant (also known as c.5146G>A), located in coding exon 38 of the ANK2 gene, results from a G to A substitution at nucleotide position 5146. The glutamic acid at codon 1716 is replaced by lysine, an amino acid with similar properties. This amino acid position is conserved. In addition, the in silico prediction for this alteration is inconclusive. Since supporting evidence is limited at this time, the clinical significance of this alteration remains unclear.

NM_001148.6(ANK2):c.5146G>A (p.Glu1716Lys)

Gene: ANK2 (ankyrin 2; plus strand). Cytogenetic location: 4q26.
Variant type: single nucleotide variant.
Coding change: c.5146G>A on transcript NM_001148.6 (MANE Select); coding-DNA position 5146, G replaced by A.
Protein change: p.Glu1716Lys; replaces glutamic acid 1716 with lysine.
Molecular consequence: missense variant. On other transcripts: intron variant (68).
Genome position (GRCh38, 1-based): chr4:113,353,764, G>A. VCF-style: chr4-113353764-G-A. GRCh37 (hg19) VCF-style: chr4-114274920-G-A.
Other names: c.1954+3515G>A (NM_001354281.2, NM_001354278.2); c.826+3515G>A (NM_001386167.1); c.4912G>A, p.Glu1638Lys (NM_001386142.1); c.1546G>A, p.Glu516Lys (NM_001386166.1); c.5287G>A, p.Glu1763Lys (NM_001386174.1); c.5263G>A, p.Glu1755Lys (NM_001386175.1); c.4411+3515G>A (NM_001386186.2, NM_001386148.2); c.4213+3515G>A (NM_001354269.3); and 35 more; short protein forms E1638K, E1755K, E1763K, E516K, E1716K.
Identifiers: ClinVar variation 1745636 (VCV001745636.2), dbSNP rs763090080, ClinGen allele CA357918217.